The following is an entry in ClinVar:

NM_004357.5(CD151):c.622_630del (p.Cys208_Thr210del)

Gene: CD151 (CD151 molecule (Raph blood group); plus strand). Cytogenetic location: 11p15.5.
Variant type: Deletion.
Coding change: c.622_630del on transcript NM_004357.5 (MANE Select); coding-DNA positions 622 to 630, 9 bases deleted (TGCATCACC; older notation c.622_630delTGCATCACC).
Protein change: p.Cys208_Thr210del.
Molecular consequence: inframe deletion.
Genome position (GRCh38, 1-based): chr11:837,948-837,956, TGCATCACC deleted; deleting any 9 consecutive bases within chr11:837,947-837,956 gives the same sequence; the c. name uses the placement nearest the transcript's 3' end. VCF-style (leftmost placement, unchanged base first): chr11-837946-GCTGCATCAC-G. GRCh37 (hg19) VCF-style: chr11-837946-GCTGCATCAC-G.
Other names: c.622_630del, p.Cys208_Thr210del (NM_001039490.2, NM_139029.2, NM_139030.4); c.622_630del (NM_001039490.1).
Identifiers: ClinVar variation 982563 (VCV000982563.2), dbSNP rs1846841530, ClinGen allele CA934306699.

ClinVar aggregate classification (germline): Likely pathogenic (1 of 4 stars; one submission).

Conditions:
Epidermolysis bullosa simplex 7, with nephropathy and deafness. Also called: Nephrotic syndrome - deafness - pretibial epidermolysis bullosa syndrome; Nephropathy with Pretibial Epidermolysis Bullosa and Deafness. Identifiers: Orphanet 300333, MedGen C1836823, MONDO:0012190, OMIM 609057.

Submission:

Equipe Genetique des Anomalies du Developpement, Université de Bourgogne
Classification: Likely pathogenic for Epidermolysis bullosa simplex 7, with nephropathy and deafness. Last evaluated: 2020-06-24. Review status: criteria provided, single submitter. Criteria: ACMG Guidelines, 2015. Collection method: clinical testing. Allele origin: maternal. Inheritance: Autosomal recessive inheritance. Affected: yes.
Comment: This variant was observed in compound heterozygosity with variant NM_001039490.1:c.19A>T